The following is an entry in ClinVar:

NM_015559.3(SETBP1):c.4769G>C (p.Ser1590Thr)

Gene: SETBP1 (SET binding protein 1; plus strand). Cytogenetic location: 18q12.3.
Variant type: single nucleotide variant.
Coding change: c.4769G>C on transcript NM_015559.3 (MANE Select); coding-DNA position 4769, G replaced by C.
Protein change: p.Ser1590Thr; replaces serine 1590 with threonine.
Molecular consequence: missense variant.
Genome position (GRCh38, 1-based): chr18:45,063,676, G>C. VCF-style: chr18-45063676-G-C. GRCh37 (hg19) VCF-style: chr18-42643641-G-C.
Other names: c.4769G>C, p.Ser1590Thr (NM_001379141.1, NM_001379142.1); c.4598G>C, p.Ser1533Thr (NM_001410862.1); short protein forms S1533T, S1590T.
Identifiers: ClinVar variation 2981628 (VCV002981628.25), dbSNP rs1429983092, ClinGen allele CA402484117.
Genomic context (GRCh38, chr18:45,063,676, plus strand): 5'-AGCAGCCCCTTCCCCAGGAAGAGGAGGTGAAAGCCAAAAGGCAGAGGAAGTCCCGAGGGA[G>C]TGAGAGCGAGGTCCTTCCCTAGGGCGGGTCTGGGCGTCTGCACCTGGGGCCTAGGGAACT-3'
Protein context (NP_056374.2, residues 1580-1596): KAKRQRKSRG[Ser1590Thr]ESEVLP

ClinVar aggregate classification (germline): Conflicting classifications of pathogenicity. Review status: criteria provided, conflicting classifications (1 of 4 stars). 2 submissions from 2 submitters: Uncertain significance (1); Benign (1). Last evaluated 2024-01-01.

Allele frequency attached by ClinVar (database versions not stated): gnomAD exomes below 0.00001.

Submissions (2):

CeGaT Center for Human Genetics Tuebingen
Classification: Uncertain significance. Last evaluated: 2024-01-01. Review status: criteria provided, single submitter. Criteria: CeGaT Center For Human Genetics Tuebingen Variant Classification Criteria Version 2. Collection method: clinical testing. Allele origin: germline. Affected: yes. Observed: 2 variant alleles.
Comment: SETBP1: PM2, PP2

Labcorp Genetics (formerly Invitae), Labcorp
Classification: Benign. Last evaluated: 2023-12-07. Review status: criteria provided, single submitter. Criteria: Invitae Variant Classification Sherloc (09022015). Collection method: clinical testing. Allele origin: germline.